The following is an entry in ClinVar:

ClinVar aggregate classification (germline): Uncertain significance (1 of 4 stars; one submission).

Conditions:
RALGAPB-related disorder. Also called: RALGAPB-related condition.

Submission:

3billion
Classification: Uncertain significance for RALGAPB-related disorder. Last evaluated: 2025-05-30. Review status: criteria provided, single submitter. Criteria: ACMG Guidelines, 2015. Collection method: clinical testing. Allele origin: germline. Affected: yes.
Comment: The variant is not observed in the gnomAD v4.1.0 dataset. Predicted Consequence/Location: Synonymous variant In silico tools predict the variant to alter splicing and produce an abnormal transcript [SpliceAI: 0.21 (>=0.2, moderate evidence for spliceogenicity)]. Therefore, this variant is classified as VUS according to the recommendation of ACMG/AMP guideline.

NM_020336.4(RALGAPB):c.702G>A (p.Val234=)

Gene: RALGAPB (Ral GTPase activating protein non-catalytic subunit beta; plus strand). Cytogenetic location: 20q11.23.
Variant type: single nucleotide variant.
Coding change: c.702G>A on transcript NM_020336.4 (MANE Select); coding-DNA position 702, G replaced by A.
Protein change: p.Val234=; no amino-acid change (valine 234 retained).
Molecular consequence: synonymous variant.
Genome position (GRCh38, 1-based): chr20:38,499,595, G>A. VCF-style: chr20-38499595-G-A. GRCh37 (hg19) VCF-style: chr20-37128238-G-A.
Other names: c.702G>A, p.Val234= (NM_001282917.2, NM_001282918.2).
Identifiers: ClinVar variation 4854898 (VCV004854898.1).